The following is an entry in ClinVar:

NM_207122.2(EXT2):c.817C>T (p.Gln273Ter)

Gene: EXT2 (exostosin glycosyltransferase 2; plus strand). Cytogenetic location: 11p11.2.
Variant type: single nucleotide variant.
Coding change: c.817C>T on transcript NM_207122.2 (MANE Select); coding-DNA position 817, C replaced by T.
Protein change: p.Gln273Ter; replaces glutamine 273 with a stop codon.
Molecular consequence: nonsense.
Genome position (GRCh38, 1-based): chr11:44,124,862, C>T. VCF-style: chr11-44124862-C-T. GRCh37 (hg19) VCF-style: chr11-44146412-C-T.
Other names: c.916C>T, p.Gln306Ter (NM_000401.3); c.817C>T, p.Gln273Ter (NM_001178083.3, NM_001389628.1, NM_001389630.1); short protein forms Q273*, Q306*.
Identifiers: ClinVar variation 835204 (VCV000835204.13), dbSNP rs1954375189, ClinGen allele CA380167103.

ClinVar aggregate classification (germline): Pathogenic. Review status: criteria provided, multiple submitters, no conflicts (2 of 4 stars). 2 submissions from 2 submitters: Pathogenic (2). Last evaluated 2019-07-30.

Conditions:
Exostoses, multiple, type 2 (EXT2). Also called: Hereditary Multiple Osteochondromatosis, Type II; EXOSTOSES, MULTIPLE, TYPE II. Identifiers: Orphanet 321, MedGen C1851413, MONDO:0007586, OMIM 133701.

Submissions (2):

Revvity Omics, Revvity
Classification: Pathogenic. Last evaluated: 2019-07-30. Review status: criteria provided, single submitter. Criteria: ACMG Guidelines, 2015. Collection method: clinical testing. Allele origin: germline.

Labcorp Genetics (formerly Invitae), Labcorp
Classification: Pathogenic for Exostoses, multiple, type 2. Last evaluated: 2019-02-10. Review status: criteria provided, single submitter. Criteria: Invitae Variant Classification Sherloc (09022015). Collection method: clinical testing. Allele origin: germline.
Comment: Loss-of-function variants in EXT2 are known to be pathogenic (PMID: 10679937, 19810120). For these reasons, this variant has been classified as Pathogenic. This variant has been observed in several individuals with multiple osteochondromas (PMID: 19309273, 24532482). This variant is not present in population databases (ExAC no frequency). This sequence change creates a premature translational stop signal (p.Gln273*) in the EXT2 gene. It is expected to result in an absent or disrupted protein product.

Literature cited by the submitters: PubMed 10679937 (cited by Labcorp Genetics (formerly Invitae), Labcorp); PubMed 19810120 (cited by Labcorp Genetics (formerly Invitae), Labcorp); PubMed 19309273 (cited by Labcorp Genetics (formerly Invitae), Labcorp); PubMed 24532482 (cited by Labcorp Genetics (formerly Invitae), Labcorp).